The following is an entry in ClinVar:

ClinVar aggregate classification (germline): Uncertain significance (1 of 4 stars; one submission).

Submission:

GeneDx
Classification: Uncertain significance. Last evaluated: 2025-07-22. Review status: criteria provided, single submitter. Criteria: GeneDx Variant Classification Process June 2021. Collection method: clinical testing. Allele origin: germline. Affected: yes.
Comment: Not observed at significant frequency in large population cohorts (gnomAD); In silico analysis supports that this missense variant has a deleterious effect on protein structure/function; Has not been previously published as pathogenic or benign to our knowledge

NM_001162501.2(TNRC6B):c.934C>G (p.Pro312Ala)

Gene: TNRC6B (trinucleotide repeat containing adaptor 6B; plus strand). Cytogenetic location: 22q13.1.
Variant type: single nucleotide variant.
Coding change: c.934C>G on transcript NM_001162501.2 (MANE Select); coding-DNA position 934, C replaced by G.
Protein change: p.Pro312Ala; replaces proline 312 with alanine.
Molecular consequence: missense variant. On other transcripts: intron variant (1).
Genome position (GRCh38, 1-based): chr22:40,265,164, C>G. VCF-style: chr22-40265164-C-G. GRCh37 (hg19) VCF-style: chr22-40661168-C-G.
Other names: c.934C>G, p.Pro312Ala (NM_015088.3); c.565+2991C>G (NM_001024843.2); short protein forms P312A.
Identifiers: ClinVar variation 4795495 (VCV004795495.1).